The following is an entry in ClinVar:

ClinVar aggregate classification (germline): Benign/Likely benign. Review status: criteria provided, multiple submitters, no conflicts (2 of 4 stars). 4 submissions from 4 submitters: Benign (1); Likely benign (3). Last evaluated 2025-07-15.

Conditions:
PRPS1-related disorder. Also called: PRPS1-related condition.
Charcot-Marie-Tooth Neuropathy X. Identifiers: MedGen CN118851.

Allele frequency attached by ClinVar (database versions not stated): ExAC 0.00002; gnomAD exomes 0.00002 and 0.00007; TOPMed 0.00004; gnomAD 0.00005.
gnomAD v4.1: 92 of 1,208,553 alleles (0.0076%); highest among the groups gnomAD compares: Non-Finnish European, 0.0089%; no homozygotes.

Submissions (4):

PreventionGenetics, part of Exact Sciences
Classification: Likely benign for PRPS1-related condition. Last evaluated: 2025-07-15. Review status: criteria provided, single submitter. Criteria: ACMG Guidelines, 2015. Collection method: clinical testing. Allele origin: germline.
Comment: This variant is classified as likely benign based on ACMG/AMP sequence variant interpretation guidelines (Richards et al. 2015 PMID: 25741868, with internal and published modifications).

Labcorp Genetics (formerly Invitae), Labcorp
Classification: Benign for Charcot-Marie-Tooth Neuropathy X. Last evaluated: 2024-08-23. Review status: criteria provided, single submitter. Criteria: Invitae Variant Classification Sherloc (09022015). Collection method: clinical testing. Allele origin: germline.

Blueprint Genetics
Classification: Likely benign. Last evaluated: 2023-01-13. Review status: criteria provided, single submitter. Criteria: ACMG Guidelines, 2015. Collection method: clinical testing. Allele origin: germline.

Laboratory for Molecular Medicine, Mass General Brigham Personalized Medicine
Classification: Likely benign. Last evaluated: 2015-05-22. Review status: criteria provided, single submitter. Criteria: LMM Criteria. Collection method: clinical testing. Allele origin: germline. Observed: 1 variant allele.
Comment: c.864+10A>G in intron 6 of PRPS1: This variant is not expected to have clinical significance because it is not located within the splice consensus sequence. It has been identified in 2/47417 European chromosomes by the Exome Aggregation Con sortium (ExAC; dbSNP rs200767443).

NM_002764.4(PRPS1):c.864+10A>G

Gene: PRPS1 (phosphoribosyl pyrophosphate synthetase 1; plus strand). Cytogenetic location: Xq22.3.
Variant type: single nucleotide variant.
Coding change: c.864+10A>G on transcript NM_002764.4 (MANE Select); 10 bases into the intron after coding-DNA position 864, A replaced by G.
Molecular consequence: intron variant.
Genome position (GRCh38, 1-based): chrX:107,647,775, A>G. VCF-style: chrX-107647775-A-G. GRCh37 (hg19) VCF-style: chrX-106891005-A-G.
Other names: c.252+10A>G (NM_001204402.2).
Identifiers: ClinVar variation 227881 (VCV000227881.15), dbSNP rs200767443, ClinGen allele CA10485686.